The following is an entry in ClinVar:

ClinVar aggregate classification (germline): Uncertain significance. Review status: criteria provided, multiple submitters, no conflicts (2 of 4 stars). 2 submissions from 2 submitters: Uncertain significance (2). Last evaluated 2026-02-27.

Conditions:
Inborn genetic diseases. Identifiers: MedGen C0950123, MeSH D030342.

gnomAD v4.1: 32 of 1,611,226 alleles (0.002%); highest among the groups gnomAD compares: Non-Finnish European, 0.0027%; no homozygotes.

Submissions (2):

Ambry Genetics
Classification: Uncertain significance for Inborn genetic diseases. Last evaluated: 2026-02-27. Review status: criteria provided, single submitter. Criteria: Ambry Variant Classification Scheme 2023. Collection method: clinical testing. Allele origin: germline.
Comment: The c.1724A>G (p.Y575C) alteration is located in exon 14 (coding exon 13) of the LBR gene. This alteration results from a A to G substitution at nucleotide position 1724, causing the tyrosine (Y) at amino acid position 575 to be replaced by a cysteine (C). Based on data from gnomAD, the G allele has an overall frequency of <0.001% (1/251446) total alleles studied. The highest observed frequency was 0.001% (1/113746) of European (non-Finnish) alleles. Based on insufficient or conflicting evidence, the clinical significance of this alteration remains unclear.

Labcorp Genetics (formerly Invitae), Labcorp
Classification: Uncertain significance. Last evaluated: 2025-05-11. Review status: criteria provided, single submitter. Criteria: Invitae Variant Classification Sherloc (09022015). Collection method: clinical testing. Allele origin: germline.
Comment: This sequence change replaces tyrosine, which is neutral and polar, with cysteine, which is neutral and slightly polar, at codon 575 of the LBR protein (p.Tyr575Cys). This variant is present in population databases (no rsID available, gnomAD 0.0009%). This variant has not been reported in the literature in individuals affected with LBR-related conditions. Invitae Evidence Modeling of protein sequence and biophysical properties (such as structural, functional, and spatial information, amino acid conservation, physicochemical variation, residue mobility, and thermodynamic stability) indicates that this missense variant is not expected to disrupt LBR protein function with a negative predictive value of 80%. In summary, the available evidence is currently insufficient to determine the role of this variant in disease. Therefore, it has been classified as a Variant of Uncertain Significance.

NM_002296.4(LBR):c.1724A>G (p.Tyr575Cys)

Gene: LBR (lamin B receptor; minus strand). Cytogenetic location: 1q42.12.
Variant type: single nucleotide variant.
Coding change: c.1724A>G on transcript NM_002296.4 (MANE Select); coding-DNA position 1724, A replaced by G.
Protein change: p.Tyr575Cys; replaces tyrosine 575 with cysteine.
Molecular consequence: missense variant.
Genome position (GRCh38, 1-based): chr1:225,403,427, T>C on the plus strand (A>G on the coding strand, the complement: LBR is on the minus strand). VCF-style: chr1-225403427-T-C. GRCh37 (hg19) VCF-style: chr1-225591129-T-C.
Other names: c.1724A>G (NM_002296.3); c.1724A>G, p.Tyr575Cys (NM_194442.3); short protein forms Y575C.
Identifiers: ClinVar variation 4702062 (VCV004702062.2).